The following is an entry in ClinVar:

NM_000701.8(ATP1A1):c.1337C>T (p.Ala446Val)

Gene: ATP1A1 (ATPase Na+/K+ transporting subunit alpha 1; plus strand). Cytogenetic location: 1p13.1.
Variant type: single nucleotide variant.
Coding change: c.1337C>T on transcript NM_000701.8 (MANE Select); coding-DNA position 1337, C replaced by T.
Protein change: p.Ala446Val; replaces alanine 446 with valine.
Molecular consequence: missense variant.
Genome position (GRCh38, 1-based): chr1:116,392,858, C>T. VCF-style: chr1-116392858-C-T. GRCh37 (hg19) VCF-style: chr1-116935480-C-T.
Other names: c.1337C>T, p.Ala446Val (NM_001160233.2); c.1244C>T, p.Ala415Val (NM_001160234.2); short protein forms A415V, A446V.
Identifiers: ClinVar variation 3704163 (VCV003704163.2).

ClinVar aggregate classification (germline): Uncertain significance (1 of 4 stars; one submission).

Submission:

Labcorp Genetics (formerly Invitae), Labcorp
Classification: Uncertain significance. Last evaluated: 2024-02-18. Review status: criteria provided, single submitter. Criteria: Invitae Variant Classification Sherloc (09022015). Collection method: clinical testing. Allele origin: germline.
Comment: This sequence change replaces alanine, which is neutral and non-polar, with valine, which is neutral and non-polar, at codon 446 of the ATP1A1 protein (p.Ala446Val). This variant is not present in population databases (gnomAD no frequency). This variant has not been reported in the literature in individuals affected with ATP1A1-related conditions. Advanced modeling of protein sequence and biophysical properties (such as structural, functional, and spatial information, amino acid conservation, physicochemical variation, residue mobility, and thermodynamic stability) performed at Invitae indicates that this missense variant is not expected to disrupt ATP1A1 protein function with a negative predictive value of 80%. In summary, the available evidence is currently insufficient to determine the role of this variant in disease. Therefore, it has been classified as a Variant of Uncertain Significance.